The following is an entry in ClinVar:

NM_017950.4(CCDC40):c.1114C>T (p.Leu372Phe)

Gene: CCDC40 (coiled-coil domain 40 molecular ruler complex subunit; plus strand). Cytogenetic location: 17q25.3.
Variant type: single nucleotide variant.
Coding change: c.1114C>T on transcript NM_017950.4 (MANE Select); coding-DNA position 1114, C replaced by T.
Protein change: p.Leu372Phe; replaces leucine 372 with phenylalanine.
Molecular consequence: missense variant.
Genome position (GRCh38, 1-based): chr17:80,050,238, C>T. VCF-style: chr17-80050238-C-T. GRCh37 (hg19) VCF-style: chr17-78024037-C-T.
Other names: c.1114C>T, p.Leu372Phe (NM_001243342.2, NM_001330508.2); short protein forms L372F.
Identifiers: ClinVar variation 1795899 (VCV001795899.2), dbSNP rs2510290636, ClinGen allele CA401355797.

ClinVar aggregate classification (germline): Uncertain significance (1 of 4 stars; one submission).

Conditions:
Primary ciliary dyskinesia. Also called: Ciliary dyskinesia. Identifiers: Orphanet 244, MedGen C0008780, MONDO:0016575, HP:0012265.

Submission:

Ambry Genetics
Classification: Uncertain significance for Primary ciliary dyskinesia. Last evaluated: 2021-12-16. Review status: criteria provided, single submitter. Criteria: Ambry Variant Classification Scheme 2023. Collection method: clinical testing. Allele origin: germline.
Comment: The p.L372F variant (also known as c.1114C>T), located in coding exon 7 of the CCDC40 gene, results from a C to T substitution at nucleotide position 1114. The leucine at codon 372 is replaced by phenylalanine, an amino acid with highly similar properties. This amino acid position is conserved. In addition, this alteration is predicted to be tolerated by in silico analysis. Since supporting evidence is limited at this time, the clinical significance of this alteration remains unclear.